The following is an entry in ClinVar:

ClinVar aggregate classification (germline): Pathogenic (1 of 4 stars; one submission).

Submission:

Labcorp Genetics (formerly Invitae), Labcorp
Classification: Pathogenic. Last evaluated: 2022-07-06. Review status: criteria provided, single submitter. Criteria: Invitae Variant Classification Sherloc (09022015). Collection method: clinical testing. Allele origin: germline.
Comment: For these reasons, this variant has been classified as Pathogenic. Algorithms developed to predict the effect of sequence changes on RNA splicing suggest that this variant may disrupt the consensus splice site. This variant has not been reported in the literature in individuals affected with CD55-related conditions. This variant is not present in population databases (gnomAD no frequency). This sequence change creates a premature translational stop signal (p.Tyr224Leufs*9) in the CD55 gene. It is expected to result in an absent or disrupted protein product. Loss-of-function variants in CD55 are known to be pathogenic (PMID: 28657829, 28657861).

Literature cited by the submitters: PubMed 28657829; PubMed 28657861.

NM_000574.5(CD55):c.670dup (p.Tyr224fs)

Gene: CD55 (CD55 molecule (Cromer blood group); plus strand). Cytogenetic location: 1q32.2.
Variant type: Duplication.
Coding change: c.670dup on transcript NM_000574.5 (MANE Select); coding-DNA position 670, one base duplicated (T; older notation c.670dupT).
Protein change: p.Tyr224fs; shifts the reading frame from tyrosine 224.
Molecular consequence: frameshift variant. On other transcripts: non-coding transcript variant (1).
Genome position (GRCh38, 1-based): chr1:207,331,113, T duplicated; the last of 3 consecutive T bases (chr1:207,331,111-207,331,113); duplicating any one gives the same sequence. VCF-style (leftmost placement, unchanged base first): chr1-207331110-A-AT. GRCh37 (hg19) VCF-style: chr1-207504455-A-AT.
Other names: c.670dup, p.Tyr224fs (NM_001114752.3, NM_001300902.2, NM_001300903.2 and 1 more transcripts); short protein forms Y224fs.
Identifiers: ClinVar variation 2005054 (VCV002005054.4), dbSNP rs1654921932, ClinGen allele CA2580061955.
Genomic context (GRCh38, chr1:207,331,110, plus strand): 5'-TTGTAAAAATACTTTACTAGTTTTATTTATTTAAAAGATGTTGGAATTGTTTTTTAAGAA[A>AT]TTTATTGTCCAGCACCACCACAAATTGACAATGGAATAATTCAAGGGGAACGTGACCATT-3'